The following is an entry in ClinVar:

NM_000228.3(LAMB3):c.3247C>T (p.Gln1083Ter)

Gene: LAMB3 (laminin subunit beta 3; minus strand). Cytogenetic location: 1q32.2.
Variant type: single nucleotide variant.
Coding change: c.3247C>T on transcript NM_000228.3 (MANE Select); coding-DNA position 3247, C replaced by T.
Protein change: p.Gln1083Ter; replaces glutamine 1083 with a stop codon.
Molecular consequence: nonsense.
Genome position (GRCh38, 1-based): chr1:209,616,606, G>A on the plus strand (C>T on the coding strand, the complement: LAMB3 is on the minus strand). VCF-style: chr1-209616606-G-A. GRCh37 (hg19) VCF-style: chr1-209789951-G-A.
Other names: c.3247C>T, p.Gln1083Ter (NM_001017402.2, NM_001127641.1); short protein forms Q1083*.
Identifiers: ClinVar variation 1301693 (VCV001301693.3), dbSNP rs2102403618, ClinGen allele CA344582365.

ClinVar aggregate classification (germline): Pathogenic. Review status: criteria provided, single submitter (1 of 4 stars). 2 submissions from 1 submitter: Pathogenic (2). Last evaluated 2024-10-04.

Conditions:
Epidermolysis bullosa. Identifiers: MedGen C0014527, MeSH D004820, MONDO:0006541.
Junctional epidermolysis bullosa, non-Herlitz type. Also called: EPIDERMOLYSIS BULLOSA JUNCTIONALIS, DISENTIS TYPE; EPIDERMOLYSIS BULLOSA JUNCTIONALIS, NON-HERLITZ TYPE; EPIDERMOLYSIS BULLOSA JUNCTIONALIS, PROGRESSIVE; EPIDERMOLYSIS BULLOSA JUNCTIONALIS, SEVERE NONLETHAL; Epidermolysis bullosa, junctional, non-herlitz type, somatic mosaic revertant; EPIDERMOLYSIS BULLOSA, JUNCTIONAL 1A, INTERMEDIATE. Identifiers: Orphanet 251393, Orphanet 79402, Orphanet 79405, Orphanet 89840, MedGen C0268374, MONDO:0009180, OMIM 226650.

Submissions (2):

Dubai Health Genomic Medicine Center, Dubai Health
Classification: Pathogenic for Epidermolysis bullosa. Last evaluated: 2024-10-04. Review status: criteria provided, single submitter. Criteria: ACMG Guidelines, 2015. Collection method: research. Allele origin: germline. Affected: yes.
Comment: PVS1, PM2, PP4

Dubai Health Genomic Medicine Center, Dubai Health
Classification: Pathogenic for Junctional epidermolysis bullosa, non-Herlitz type. Last evaluated: 2021-01-24. Review status: criteria provided, single submitter. Criteria: ACMG Guidelines, 2015. Collection method: clinical testing. Allele origin: germline. Affected: yes.
Comment: The p.Gln1083* variant in LAMB3 has been reported in association with Herlitz Junctional Epidermolysis Bullosa (PMID: 11023379) but was absent from large population studies such as the Genome Aggregation Database (gnomAD) and the Greater Middle East (GME) variome database. This nonsense variant leads to a premature termination codon at position 1083 which is predicted to lead to a truncated or absent protein. Other disease causing variant have been reported in this exon downstream of the p.Gln1083* variant in the Human Gene Mutation Database (HGMD). In summary this variant meets our criteria to be classified as pathogenic.